The following is an entry in ClinVar:

ClinVar aggregate classification (germline): Uncertain significance (1 of 4 stars; one submission).

Submission:

GeneDx
Classification: Uncertain significance. Last evaluated: 2022-07-13. Review status: criteria provided, single submitter. Criteria: GeneDx Variant Classification Process June 2021. Collection method: clinical testing. Allele origin: germline. Affected: yes.
Comment: Not observed at significant frequency in large population cohorts (gnomAD); Frameshift variant predicted to result in protein truncation or nonsense mediated decay in a gene or region of a gene for which loss of function is not a well-established mechanism of disease; Has not been previously published as pathogenic or benign to our knowledge

NM_032545.4(CFC1):c.260_267del (p.Arg87fs)

Gene: CFC1 (cryptic, EGF-CFC family member 1; minus strand). Cytogenetic location: 2q21.1.
Variant type: Deletion.
Coding change: c.260_267del on transcript NM_032545.4 (MANE Select); coding-DNA positions 260 to 267, 8 bases deleted (GGCCGCGC; older notation c.260_267delGGCCGCGC).
Protein change: p.Arg87fs; shifts the reading frame from arginine 87.
Molecular consequence: frameshift variant. On other transcripts: intron variant (2).
Genome position (GRCh38, 1-based): chr2:130,597,963-130,597,970, GCGCGGCC deleted on the plus strand (GGCCGCGC on the coding strand, the reverse complement: CFC1 is on the minus strand); deleting any 8 consecutive bases within chr2:130,597,963-130,597,976 gives the same sequence; the c. name uses the placement nearest the transcript's 3' end. VCF-style (leftmost placement, unchanged base first): chr2-130597962-AGCGCGGCC-A. GRCh37 (hg19) VCF-style: chr2-131355535-AGCGCGGCC-A.
Other names: c.247+672_247+679del (NM_001270421.2); c.248-367_248-360del (NM_001270420.2); short protein forms R87fs.
Identifiers: ClinVar variation 1878757 (VCV001878757.1), dbSNP rs1177836903, ClinGen allele CA756951574.
Genomic context (GRCh38, chr2:130,597,962, plus strand): 5'-TGAAGTGGGCCGGGCACACGCAGAAGCTGCCCAGCACGCAGGTACCGCCGTTCCTGCAGC[AGCGCGGCC>A]GCGCGGACGCACCTGCGGGGTCACCCGGGCGTCAGCCCCGCGCCCCCCGCGGCCCGTGGC-3'